The following is an entry in ClinVar:

ClinVar aggregate classification (germline): Pathogenic (1 of 4 stars; one submission).

Conditions:
Tumor predisposition syndrome 3 (TPDS3). Also called: Glioma susceptibility 9; LONG TELOMERE SYNDROME, POT1-RELATED; POT1 Tumor Predisposition; Melanoma, cutaneous malignant, susceptibility to, 10. Identifiers: Orphanet 618, MedGen C4014476, MONDO:0014368, OMIM 615848.

Submission:

Labcorp Genetics (formerly Invitae), Labcorp
Classification: Pathogenic for Tumor predisposition syndrome 3. Last evaluated: 2022-04-20. Review status: criteria provided, single submitter. Criteria: Invitae Variant Classification Sherloc (09022015). Collection method: clinical testing. Allele origin: unknown.
Comment: This variant is a gross deletion of the genomic region encompassing exon(s) 5-11 of the POT1 gene, which includes the initiator codon. This deletion extends beyond the assayed region for this gene and therefore may encompass additional genes. It is expected to result in an absent or disrupted protein product. Loss-of-function variants in POT1 are known to be pathogenic (PMID: 32155570). This variant has not been reported in the literature in individuals affected with POT1-related conditions. For these reasons, this variant has been classified as Pathogenic.

Literature cited by the submitters: PubMed 32155570.

NC_000007.13:g.(?_124491916)_(124537227_?)del

Gene: POT1 (protection of telomeres 1; minus strand). Cytogenetic location: 7q31.33.
Variant type: Deletion.
Identifiers: ClinVar variation 3245821 (VCV003245821.1).